The following is an entry in ClinVar:

NM_001367561.1(DOCK7):c.429A>G (p.Leu143=)

Gene: DOCK7 (dedicator of cytokinesis 7; minus strand). Cytogenetic location: 1p31.3.
Variant type: single nucleotide variant.
Coding change: c.429A>G on transcript NM_001367561.1 (MANE Select); coding-DNA position 429, A replaced by G.
Protein change: p.Leu143=; no amino-acid change (leucine 143 retained).
Molecular consequence: synonymous variant.
Genome position (GRCh38, 1-based): chr1:62,648,505, T>C on the plus strand (A>G on the coding strand, the complement: DOCK7 is on the minus strand). VCF-style: chr1-62648505-T-C. GRCh37 (hg19) VCF-style: chr1-63114176-T-C.
Other names: c.429A>G, p.Leu143= (NM_001271999.2, NM_001272000.2, NM_001272001.2 and 3 more transcripts).
Identifiers: ClinVar variation 756724 (VCV000756724.11), dbSNP rs766243416, ClinGen allele CA887187.

ClinVar aggregate classification (germline): Likely benign. Review status: criteria provided, multiple submitters, no conflicts (2 of 4 stars). 2 submissions from 2 submitters: Likely benign (2). Last evaluated 2026-08-01.

Conditions:
Developmental and epileptic encephalopathy, 23 (DEE23). Also called: Epileptic encephalopathy, early infantile, 23. Identifiers: Orphanet 411986, MedGen C4014492, MONDO:0014371, OMIM 615859.

Allele frequency attached by ClinVar (database versions not stated): ExAC below 0.00001; gnomAD 0.00002; TOPMed 0.00002; gnomAD exomes 0.00005.
gnomAD v4.1: 26 of 1,471,386 alleles (0.0018%); highest among the groups gnomAD compares: Non-Finnish European, 0.0022%; no homozygotes.

Submissions (2):

CeGaT Center for Human Genetics Tuebingen
Classification: Likely benign. Last evaluated: 2026-08-01. Review status: criteria provided, single submitter. Criteria: CeGaT Center For Human Genetics Tuebingen Variant Classification Criteria Version 2. Collection method: clinical testing. Allele origin: germline. Affected: yes. Observed: 1 variant allele.
Comment: DOCK7: BP4, BP7

Labcorp Genetics (formerly Invitae), Labcorp
Classification: Likely benign for Developmental and epileptic encephalopathy, 23. Last evaluated: 2025-11-25. Review status: criteria provided, single submitter. Criteria: Invitae Variant Classification Sherloc (09022015). Collection method: clinical testing. Allele origin: germline.